The following is an entry in ClinVar:

ClinVar aggregate classification (germline): Uncertain significance (1 of 4 stars; one submission).

Conditions:
Hereditary cancer-predisposing syndrome. Also called: Neoplastic Syndromes, Hereditary; Tumor predisposition; Hereditary Cancer Syndrome; Hereditary neoplastic syndrome. Identifiers: Orphanet 140162, MedGen C0027672, MeSH D009386, MONDO:0015356.
Cardiovascular phenotype. Identifiers: MedGen CN230736.

Submission:

Ambry Genetics
Classification: Uncertain significance for Cardiovascular phenotype; Hereditary cancer-predisposing syndrome. Last evaluated: 2019-02-05. Review status: criteria provided, single submitter. Criteria: Ambry Variant Classification Scheme 2023. Collection method: clinical testing. Allele origin: germline.
Comment: The p.A706S variant (also known as c.2116G>T), located in coding exon 18 of the NF1 gene, results from a G to T substitution at nucleotide position 2116. The alanine at codon 706 is replaced by serine, an amino acid with similar properties. This amino acid position is highly conserved in available vertebrate species. In addition, the in silico prediction for this alteration is inconclusive. Since supporting evidence is limited at this time, the clinical significance of this alteration remains unclear.

NM_001042492.3(NF1):c.2116G>T (p.Ala706Ser)

Gene: NF1 (neurofibromin 1; plus strand). Cytogenetic location: 17q11.2.
Variant type: single nucleotide variant.
Coding change: c.2116G>T on transcript NM_001042492.3 (MANE Select); coding-DNA position 2116, G replaced by T.
Protein change: p.Ala706Ser; replaces alanine 706 with serine.
Molecular consequence: missense variant.
Genome position (GRCh38, 1-based): chr17:31,226,549, G>T. VCF-style: chr17-31226549-G-T. GRCh37 (hg19) VCF-style: chr17-29553567-G-T.
Other names: c.2116G>T, p.Ala706Ser (NM_000267.4); short protein forms A706S.
Identifiers: ClinVar variation 820648 (VCV000820648.4), dbSNP rs876658232, ClinGen allele CA398982289.